The following is an entry in ClinVar:

NM_001365951.3(KIF1B):c.3019C>T (p.Arg1007Cys)

Gene: KIF1B (kinesin family member 1B; plus strand). Cytogenetic location: 1p36.22.
Variant type: single nucleotide variant.
Coding change: c.3019C>T on transcript NM_001365951.3 (MANE Select); coding-DNA position 3019, C replaced by T.
Protein change: p.Arg1007Cys; replaces arginine 1007 with cysteine.
Molecular consequence: missense variant.
Genome position (GRCh38, 1-based): chr1:10,334,614, C>T. VCF-style: chr1-10334614-C-T. GRCh37 (hg19) VCF-style: chr1-10394672-C-T.
Other names: c.3019C>T, p.Arg1007Cys (NM_001365952.1); c.2881C>T, p.Arg961Cys (NM_015074.3); short protein forms R961C, R1007C.
Identifiers: ClinVar variation 1797183 (VCV001797183.9), dbSNP rs1431922899, ClinGen allele CA338338813.

ClinVar aggregate classification (germline): Uncertain significance. Review status: criteria provided, multiple submitters, no conflicts (2 of 4 stars). 2 submissions from 2 submitters: Uncertain significance (2). Last evaluated 2025-09-17.

Conditions:
Charcot-Marie-Tooth disease type 2. Also called: Charcot-Marie-Tooth type 2. Identifiers: Orphanet 64746, MedGen C0270914, MONDO:0018993.

Allele frequency attached by ClinVar (database versions not stated): TOPMed 0.00002; gnomAD exomes 0.00001; gnomAD 0.00001.
gnomAD v4.1: 11 of 1,613,640 alleles (0.00068%); highest among the groups gnomAD compares: East Asian, 0.0045%; no homozygotes.

Submissions (2):

Ambry Genetics
Classification: Uncertain significance. Last evaluated: 2025-09-17. Review status: criteria provided, single submitter. Criteria: Ambry Variant Classification Scheme 2023. Collection method: clinical testing. Allele origin: germline.
Comment: The p.R961C variant (also known as c.2881C>T), located in coding exon 25 of the KIF1B gene, results from a C to T substitution at nucleotide position 2881. The arginine at codon 961 is replaced by cysteine, an amino acid with highly dissimilar properties. This amino acid position is highly conserved in available vertebrate species. In addition, this alteration is predicted to be deleterious by in silico analysis. The evidence for this gene-disease relationship is limited; therefore, the clinical significance of this alteration is unclear.

Labcorp Genetics (formerly Invitae), Labcorp
Classification: Uncertain significance for Charcot-Marie-Tooth disease type 2. Last evaluated: 2025-08-31. Review status: criteria provided, single submitter. Criteria: Invitae Variant Classification Sherloc (09022015). Collection method: clinical testing. Allele origin: germline.
Comment: This sequence change replaces arginine, which is basic and polar, with cysteine, which is neutral and slightly polar, at codon 961 of the KIF1B protein (p.Arg961Cys). This variant is present in population databases (no rsID available, gnomAD 0.006%). This variant has not been reported in the literature in individuals affected with KIF1B-related conditions. ClinVar contains an entry for this variant (Variation ID: 1797183). Invitae Evidence Modeling of protein sequence and biophysical properties (such as structural, functional, and spatial information, amino acid conservation, physicochemical variation, residue mobility, and thermodynamic stability) has been performed for this missense variant. However, the output from this modeling did not meet the statistical confidence thresholds required to predict the impact of this variant on KIF1B protein function. In summary, the available evidence is currently insufficient to determine the role of this variant in disease. Therefore, it has been classified as a Variant of Uncertain Significance.